The following is an entry in ClinVar:

ClinVar aggregate classification (germline): Pathogenic (1 of 4 stars; one submission).

Submission:

Ambry Genetics
Classification: Pathogenic. Last evaluated: 2025-07-07. Review status: criteria provided, single submitter. Criteria: Ambry Variant Classification Scheme 2023. Collection method: clinical testing. Allele origin: germline.
Comment: The c.215delA (p.K72Rfs*11) alteration, located in exon 2 (coding exon 1) of the CAPRIN1 gene, consists of a deletion of one nucleotide at position 215, causing a translational frameshift with a predicted alternate stop codon after 11 amino acids. This alteration is expected to result in loss of function by premature protein truncation or nonsense-mediated mRNA decay. The CAPRIN1 c.215delA alteration was flagged as a low confidence call in the Genome Aggregation Database (gnomAD). Based on the available evidence, this alteration is classified as pathogenic.

NM_005898.5(CAPRIN1):c.215del (p.Lys72fs)

Genes: CAPRIN1 (cell cycle associated protein 1; plus strand), LOC101929918 (uncharacterized LOC101929918; minus strand). Cytogenetic location: 11p13.
Variant type: Deletion.
Coding change: c.215del on transcript NM_005898.5 (MANE Select); coding-DNA position 215, one base deleted (A; older notation c.215delA).
Protein change: p.Lys72fs; shifts the reading frame from lysine 72.
Molecular consequence: frameshift variant.
Genome position (GRCh38, 1-based): chr11:34,052,635, A deleted; the last of 5 consecutive A bases (chr11:34,052,631-34,052,635); deleting any one gives the same sequence. VCF-style (leftmost placement, unchanged base first): chr11-34052630-GA-G. GRCh37 (hg19) VCF-style: chr11-34074177-GA-G.
Other names: c.215del, p.Lys72fs (NM_203364.3); short protein forms K72fs.
Identifiers: ClinVar variation 4218956 (VCV004218956.1).
Genomic context (GRCh38, chr11:34,052,630, plus strand): 5'-GACCGAGGCCATGAAGCAGATTCTCGGGGTGATCGACAAGAAACTTCGGAACCTGGAGAA[GA>G]AAAAGGTGCCAGGAGTTGGCGGGGAAGGGAGGGGTGGCTGCGGCCGGGCTCTGCGGCCCC-3'